The following is an entry in ClinVar:

ClinVar aggregate classification (germline): Likely pathogenic (1 of 4 stars; one submission).

Conditions:
Progressive microcephaly-seizures-cortical blindness-developmental delay syndrome. Also called: Seizures, cortical blindness, and microcephaly syndrome. Identifiers: Orphanet 477814, MedGen C5567650, MONDO:0014714, OMIM 616632.
Autosomal dominant nonsyndromic hearing loss 1. Also called: KONIGSMARK SYNDROME; DEAFNESS, AUTOSOMAL DOMINANT 1, WITH OR WITHOUT THROMBOCYTOPENIA. Identifiers: Orphanet 90635, MedGen C1852282, MONDO:0007424, OMIM 124900.

Allele frequency attached by ClinVar (database versions not stated): gnomAD exomes below 0.00001.
gnomAD v4.1: 4 of 1,609,784 alleles (0.00025%); highest among the groups gnomAD compares: Non-Finnish European, 0.00034%; no homozygotes.

Submission:

Labcorp Genetics (formerly Invitae), Labcorp
Classification: Likely pathogenic for Progressive microcephaly-seizures-cortical blindness-developmental delay syndrome; Autosomal dominant nonsyndromic hearing loss 1. Last evaluated: 2022-08-19. Review status: criteria provided, single submitter. Criteria: Invitae Variant Classification Sherloc (09022015). Collection method: clinical testing. Allele origin: germline.
Comment: In summary, the currently available evidence indicates that the variant is pathogenic, but additional data are needed to prove that conclusively. Therefore, this variant has been classified as Likely Pathogenic. Algorithms developed to predict the effect of sequence changes on RNA splicing suggest that this variant may disrupt the consensus splice site. ClinVar contains an entry for this variant (Variation ID: 1487047). This variant has not been reported in the literature in individuals affected with DIAPH1-related conditions. This variant is not present in population databases (gnomAD no frequency). This sequence change affects an acceptor splice site in intron 6 of the DIAPH1 gene. It is expected to disrupt RNA splicing. Variants that disrupt the donor or acceptor splice site typically lead to a loss of protein function (PMID: 16199547), and loss-of-function variants in DIAPH1 are known to be pathogenic (PMID: 24781755, 26463574).

Literature cited by the submitters: PubMed 16199547; PubMed 24781755; PubMed 26463574.

NM_005219.5(DIAPH1):c.621-2A>G

Gene: DIAPH1 (diaphanous related formin 1; minus strand). Cytogenetic location: 5q31.3.
Variant type: single nucleotide variant.
Coding change: c.621-2A>G on transcript NM_005219.5 (MANE Select); the canonical splice acceptor site of the intron before coding-DNA position 621, A replaced by G.
Molecular consequence: splice acceptor variant.
Genome position (GRCh38, 1-based): chr5:141,582,377, T>C on the plus strand (A>G on the coding strand, the complement: DIAPH1 is on the minus strand). VCF-style: chr5-141582377-T-C. GRCh37 (hg19) VCF-style: chr5-140961944-T-C.
Other names: c.594-2A>G (NM_001079812.3); c.621-2A>G (NM_001314007.2).
Identifiers: ClinVar variation 1487047 (VCV001487047.6), dbSNP rs2099896905, ClinGen allele CA361540142.